The following is an entry in ClinVar:

NM_007180.3(TREH):c.1356G>A (p.Pro452=)

Gene: TREH (trehalase; minus strand). Cytogenetic location: 11q23.3.
Variant type: single nucleotide variant.
Coding change: c.1356G>A on transcript NM_007180.3 (MANE Select); coding-DNA position 1356, G replaced by A.
Protein change: p.Pro452=; no amino-acid change (proline 452 retained).
Molecular consequence: synonymous variant.
Genome position (GRCh38, 1-based): chr11:118,659,446, C>T on the plus strand (G>A on the coding strand, the complement: TREH is on the minus strand). VCF-style: chr11-118659446-C-T. GRCh37 (hg19) VCF-style: chr11-118530155-C-T.
Other names: c.1263G>A, p.Pro421= (NM_001301065.2).
Identifiers: ClinVar variation 4984788 (VCV004984788.1).

ClinVar aggregate classification (germline): Likely benign (1 of 4 stars; one submission).

Conditions:
TREH-related disorder. Also called: TREH-related condition.

gnomAD v4.1: 996 of 1,606,440 alleles (0.062%); highest among the groups gnomAD compares: Non-Finnish European, 0.076%; no homozygotes.

Submission:

PreventionGenetics, part of Exact Sciences
Classification: Likely benign for TREH-related condition. Last evaluated: 2026-06-25. Review status: criteria provided, single submitter. Criteria: ACMG Guidelines, 2015. Collection method: clinical testing. Allele origin: germline.
Comment: This variant is classified as likely benign based on ACMG/AMP sequence variant interpretation guidelines (Richards et al. 2015 PMID: 25741868, with internal and published modifications).